The following is an entry in ClinVar:

NM_001281747.2(MLIP):c.2576C>G (p.Ser859Cys)

Gene: MLIP (muscular LMNA interacting protein; plus strand). Cytogenetic location: 6p12.1.
Variant type: single nucleotide variant.
Coding change: c.2576C>G on transcript NM_001281747.2 (MANE Select); coding-DNA position 2576, C replaced by G.
Protein change: p.Ser859Cys; replaces serine 859 with cysteine.
Molecular consequence: missense variant.
Genome position (GRCh38, 1-based): chr6:54,189,901, C>G. VCF-style: chr6-54189901-C-G. GRCh37 (hg19) VCF-style: chr6-54054699-C-G.
Other names: NC_000006.11:g.54054699C>G; c.2543C>G, p.Ser848Cys (NM_001281746.2); c.971C>G, p.Ser324Cys (NM_138569.3); short protein forms S848C, S324C, S859C.
Identifiers: ClinVar variation 2337577 (VCV002337577.4), dbSNP rs35722245, ClinGen allele CA3861908.

ClinVar aggregate classification (germline): Conflicting classifications of pathogenicity. Review status: criteria provided, conflicting classifications (1 of 4 stars). 2 submissions from 2 submitters: Uncertain significance (1); Likely benign (1). Last evaluated 2026-08-01.

Conditions:
Inborn genetic diseases. Identifiers: MedGen C0950123, MeSH D030342.

Allele frequency attached by ClinVar (database versions not stated): ESP Exome Variant Server 0.00015; ExAC 0.00040; gnomAD 0.00045; gnomAD exomes 0.00060; TOPMed 0.00073.
gnomAD v4.1: 965 of 1,603,872 alleles (0.06%); highest among the groups gnomAD compares: Middle Eastern, 0.18%; 3 homozygotes.

Submissions (3):

CeGaT Center for Human Genetics Tuebingen
Classification: Likely benign. Last evaluated: 2026-08-01. Review status: criteria provided, single submitter. Criteria: CeGaT Center For Human Genetics Tuebingen Variant Classification Criteria Version 2. Collection method: clinical testing. Allele origin: germline. Affected: yes. Observed: 1 variant allele.
Comment: MLIP: BP4

Ambry Genetics
Classification: Uncertain significance for Inborn genetic diseases. Last evaluated: 2021-06-11. Review status: criteria provided, single submitter. Criteria: Ambry Variant Classification Scheme 2023. Collection method: clinical testing. Allele origin: germline.

Dr. Peter K. Rogan Lab, Western University
No classification provided (evidence only). Condition: Melanoma. Review status: no classification provided. Collection method: in vitro. Allele origin: not applicable. Functional consequence: retained intron. Not counted in ClinVar's aggregate classification.